The following is an entry in ClinVar:

NM_003280.3(TNNC1):c.253A>T (p.Met85Leu)

Gene: TNNC1 (troponin C1, slow skeletal and cardiac type; minus strand). Cytogenetic location: 3p21.1.
Variant type: single nucleotide variant.
Coding change: c.253A>T on transcript NM_003280.3 (MANE Select); coding-DNA position 253, A replaced by T.
Protein change: p.Met85Leu; replaces methionine 85 with leucine.
Molecular consequence: missense variant.
Genome position (GRCh38, 1-based): chr3:52,451,808, T>A on the plus strand (A>T on the coding strand, the complement: TNNC1 is on the minus strand). VCF-style: chr3-52451808-T-A. GRCh37 (hg19) VCF-style: chr3-52485824-T-A.
Other names: short protein forms M85L.
Identifiers: ClinVar variation 4188216 (VCV004188216.1).

ClinVar aggregate classification (germline): Uncertain significance (1 of 4 stars; one submission).

Conditions:
Cardiovascular phenotype. Identifiers: MedGen CN230736.

gnomAD v4.1: 1 of 1,614,134 alleles (0.000062%); highest among the groups gnomAD compares: Non-Finnish European, 0.000085%; no homozygotes.

Submission:

Ambry Genetics
Classification: Uncertain significance for Cardiovascular phenotype. Last evaluated: 2025-08-03. Review status: criteria provided, single submitter. Criteria: Ambry Variant Classification Scheme 2023. Collection method: clinical testing. Allele origin: germline.
Comment: The p.M85L variant (also known as c.253A>T), located in coding exon 4 of the TNNC1 gene, results from an A to T substitution at nucleotide position 253. The methionine at codon 85 is replaced by leucine, an amino acid with highly similar properties. This amino acid position is conserved. In addition, the in silico prediction for this alteration is inconclusive. Based on the available evidence, the clinical significance of this variant remains unclear.